The following is an entry in ClinVar:

NM_020806.5(GPHN):c.886C>T (p.Leu296Phe)

Gene: GPHN (gephyrin; plus strand). Cytogenetic location: 14q23.3.
Variant type: single nucleotide variant.
Coding change: c.886C>T on transcript NM_020806.5 (MANE Select); coding-DNA position 886, C replaced by T.
Protein change: p.Leu296Phe; replaces leucine 296 with phenylalanine.
Molecular consequence: missense variant.
Genome position (GRCh38, 1-based): chr14:66,965,248, C>T. VCF-style: chr14-66965248-C-T. GRCh37 (hg19) VCF-style: chr14-67431965-C-T.
Other names: c.787C>T, p.Leu263Phe (NM_001024218.2, NM_001377515.1, NM_001377516.1 and 2 more transcripts); c.826C>T, p.Leu276Phe (NM_001377514.1, NM_001377519.1); short protein forms L263F, L276F, L296F.
Identifiers: ClinVar variation 2076519 (VCV002076519.4), dbSNP rs752782124, ClinGen allele CA7233864.

ClinVar aggregate classification (germline): Uncertain significance (1 of 4 stars; one submission).

Conditions:
Sulfite oxidase deficiency due to molybdenum cofactor deficiency type C. Also called: Molybdenum cofactor deficiency, complementation group C; Molybdenum cofactor deficiency C. Identifiers: Orphanet 308400, Orphanet 833, MedGen C1854990, MONDO:0014212, OMIM 615501.

Allele frequency attached by ClinVar (database versions not stated): TOPMed below 0.00001; ExAC 0.00001; gnomAD exomes below 0.00001.

Submission:

Labcorp Genetics (formerly Invitae), Labcorp
Classification: Uncertain significance for Sulfite oxidase deficiency due to molybdenum cofactor deficiency type C. Last evaluated: 2023-06-14. Review status: criteria provided, single submitter. Criteria: Invitae Variant Classification Sherloc (09022015). Collection method: clinical testing. Allele origin: germline.
Comment: This sequence change replaces leucine, which is neutral and non-polar, with phenylalanine, which is neutral and non-polar, at codon 296 of the GPHN protein (p.Leu296Phe). In summary, the available evidence is currently insufficient to determine the role of this variant in disease. Therefore, it has been classified as a Variant of Uncertain Significance. Advanced modeling of protein sequence and biophysical properties (such as structural, functional, and spatial information, amino acid conservation, physicochemical variation, residue mobility, and thermodynamic stability) performed at Invitae indicates that this missense variant is not expected to disrupt GPHN protein function. ClinVar contains an entry for this variant (Variation ID: 2076519). This variant has not been reported in the literature in individuals affected with GPHN-related conditions. This variant is not present in population databases (gnomAD no frequency).